The following is an entry in ClinVar:

NM_000829.4(GRIA4):c.211A>C (p.Ile71Leu)

Gene: GRIA4 (glutamate ionotropic receptor AMPA type subunit 4; plus strand). Cytogenetic location: 11q22.3.
Variant type: single nucleotide variant.
Coding change: c.211A>C on transcript NM_000829.4 (MANE Select); coding-DNA position 211, A replaced by C.
Protein change: p.Ile71Leu; replaces isoleucine 71 with leucine.
Molecular consequence: missense variant. On other transcripts: non-coding transcript variant (1).
Genome position (GRCh38, 1-based): chr11:105,612,398, A>C. VCF-style: chr11-105612398-A-C. GRCh37 (hg19) VCF-style: chr11-105483125-A-C.
Other names: c.211A>C, p.Ile71Leu (NM_001077243.3, NM_001077244.2, NM_001112812.2); short protein forms I71L.
Identifiers: ClinVar variation 2662350 (VCV002662350.1), dbSNP rs2496353538, ClinGen allele CA382298749.

ClinVar aggregate classification (germline): Uncertain significance (1 of 4 stars; one submission).

Allele frequency attached by ClinVar (database versions not stated): gnomAD exomes below 0.00001.
gnomAD v4.1: 4 of 1,614,160 alleles (0.00025%); highest among the groups gnomAD compares: African/African-American, 0.0013%; no homozygotes.

Submission:

GeneDx
Classification: Uncertain significance. Last evaluated: 2023-05-10. Review status: criteria provided, single submitter. Criteria: GeneDx Variant Classification Process June 2021. Collection method: clinical testing. Allele origin: germline. Affected: yes.
Comment: Not observed at significant frequency in large population cohorts (gnomAD); In silico analysis supports that this missense variant does not alter protein structure/function; Has not been previously published as pathogenic or benign to our knowledge